The following is an entry in ClinVar:

ClinVar aggregate classification (germline): Likely benign. Review status: criteria provided, multiple submitters, no conflicts (2 of 4 stars). 3 submissions from 3 submitters: Likely benign (3). Last evaluated 2025-08-20.

Conditions:
Charcot-Marie-Tooth disease axonal type 2O. Also called: Charcot-Marie-Tooth disease, axonal, type 20; CHARCOT-MARIE-TOOTH NEUROPATHY, AXONAL, TYPE 2O; CHARCOT-MARIE-TOOTH DISEASE, AXONAL, AUTOSOMAL DOMINANT, TYPE 2O; Charcot-Marie-Tooth Neuropathy Type 2O. Identifiers: Orphanet 284232, MedGen C3280220, MONDO:0013644, OMIM 614228.
DYNC1H1-related disorder. Also called: DYNC1H1-related disorders; DYNC1H1-related condition. Identifiers: MedGen CN381529.

Allele frequency attached by ClinVar (database versions not stated): gnomAD exomes below 0.00001 and 0.00001; ExAC 0.00001; TOPMed 0.00002; gnomAD 0.00003; ESP Exome Variant Server 0.00015.
gnomAD v4.1: 9 of 1,613,970 alleles (0.00056%); highest among the groups gnomAD compares: African/African-American, 0.0053%; no homozygotes.

Submissions (3):

PreventionGenetics, part of Exact Sciences
Classification: Likely benign for DYNC1H1-related condition. Last evaluated: 2025-08-20. Review status: criteria provided, single submitter. Criteria: ACMG Guidelines, 2015. Collection method: clinical testing. Allele origin: germline.
Comment: This variant is classified as likely benign based on ACMG/AMP sequence variant interpretation guidelines (Richards et al. 2015 PMID: 25741868, with internal and published modifications).

Women's Health and Genetics/Laboratory Corporation of America, LabCorp
Classification: Likely benign. Last evaluated: 2025-02-24. Review status: criteria provided, single submitter. Criteria: LabCorp Variant Classification Summary - May 2015. Collection method: clinical testing. Allele origin: germline.

Labcorp Genetics (formerly Invitae), Labcorp
Classification: Likely benign for Charcot-Marie-Tooth disease axonal type 2O. Last evaluated: 2024-09-19. Review status: criteria provided, single submitter. Criteria: Invitae Variant Classification Sherloc (09022015). Collection method: clinical testing. Allele origin: germline.

NM_001376.5(DYNC1H1):c.12978C>T (p.Asn4326=)

Gene: DYNC1H1 (dynein cytoplasmic 1 heavy chain 1; plus strand). Cytogenetic location: 14q32.31.
Variant type: single nucleotide variant.
Coding change: c.12978C>T on transcript NM_001376.5 (MANE Select); coding-DNA position 12978, C replaced by T.
Protein change: p.Asn4326=; no amino-acid change (asparagine 4326 retained).
Molecular consequence: synonymous variant.
Genome position (GRCh38, 1-based): chr14:102,044,670, C>T. VCF-style: chr14-102044670-C-T. GRCh37 (hg19) VCF-style: chr14-102511007-C-T.
Identifiers: ClinVar variation 704924 (VCV000704924.12), dbSNP rs146950724, ClinGen allele CA7354087.